The following is an entry in ClinVar:

NM_001127496.3(SPRY4):c.89G>A (p.Arg30Gln)

Gene: SPRY4 (sprouty RTK signaling antagonist 4; minus strand). Cytogenetic location: 5q31.3.
Variant type: single nucleotide variant.
Coding change: c.89G>A on transcript NM_001127496.3 (MANE Select); coding-DNA position 89, G replaced by A.
Protein change: p.Arg30Gln; replaces arginine 30 with glutamine.
Molecular consequence: missense variant.
Genome position (GRCh38, 1-based): chr5:142,315,020, C>T on the plus strand (G>A on the coding strand, the complement: SPRY4 is on the minus strand). VCF-style: chr5-142315020-C-T. GRCh37 (hg19) VCF-style: chr5-141694585-C-T.
Other names: c.89G>A, p.Arg30Gln (NM_001293289.3, NM_001293290.3); c.158G>A, p.Arg53Gln (NM_030964.5); short protein forms R53Q, R30Q.
Identifiers: ClinVar variation 4707586 (VCV004707586.1).

ClinVar aggregate classification (germline): Uncertain significance (1 of 4 stars; one submission).

Submission:

Labcorp Genetics (formerly Invitae), Labcorp
Classification: Uncertain significance. Last evaluated: 2025-02-06. Review status: criteria provided, single submitter. Criteria: Invitae Variant Classification Sherloc (09022015). Collection method: clinical testing. Allele origin: germline.
Comment: This sequence change replaces arginine, which is basic and polar, with glutamine, which is neutral and polar, at codon 53 of the SPRY4 protein (p.Arg53Gln). This variant is present in population databases (rs759316507, gnomAD 0.05%). This missense change has been observed in individual(s) with SPRY4-related conditions (PMID: 31781046). An algorithm developed to predict the effect of missense changes on protein structure and function (PolyPhen-2) suggests that this variant is likely to be tolerated. In summary, the available evidence is currently insufficient to determine the role of this variant in disease. Therefore, it has been classified as a Variant of Uncertain Significance.

Literature cited by the submitters: PubMed 31781046.